The following is an entry in ClinVar:

NM_003718.5(CDK13):c.867G>A (p.Pro289=)

Gene: CDK13 (cyclin dependent kinase 13; plus strand). Cytogenetic location: 7p14.1.
Variant type: single nucleotide variant.
Coding change: c.867G>A on transcript NM_003718.5 (MANE Select); coding-DNA position 867, G replaced by A.
Protein change: p.Pro289=; no amino-acid change (proline 289 retained).
Molecular consequence: synonymous variant.
Genome position (GRCh38, 1-based): chr7:39,951,508, G>A. VCF-style: chr7-39951508-G-A. GRCh37 (hg19) VCF-style: chr7-39991107-G-A.
Other names: c.867G>A, p.Pro289= (NM_031267.4).
Identifiers: ClinVar variation 3389185 (VCV003389185.14).

ClinVar aggregate classification (germline): Likely benign (1 of 4 stars; one submission).

gnomAD v4.1: 7 of 1,533,546 alleles (0.00046%); highest among the groups gnomAD compares: Non-Finnish European, 0.00044%; no homozygotes.

Submission:

CeGaT Center for Human Genetics Tuebingen
Classification: Likely benign. Last evaluated: 2024-09-01. Review status: criteria provided, single submitter. Criteria: CeGaT Center For Human Genetics Tuebingen Variant Classification Criteria Version 2. Collection method: clinical testing. Allele origin: germline. Affected: yes. Observed: 1 variant allele.
Comment: CDK13: BP4, BP7